The following is an entry in ClinVar:

NM_000069.3(CACNA1S):c.4647_4657del (p.Lys1549fs)

Gene: CACNA1S (calcium voltage-gated channel subunit alpha1 S; minus strand). Cytogenetic location: 1q32.1.
Variant type: Deletion.
Coding change: c.4647_4657del on transcript NM_000069.3 (MANE Select); coding-DNA positions 4647 to 4657, 11 bases deleted (GAAGGACATTG).
Protein change: p.Lys1549fs; shifts the reading frame from lysine 1549.
Molecular consequence: frameshift variant.
Genome position (GRCh38, 1-based): chr1:201,047,126-201,047,136, CAATGTCCTTC deleted on the plus strand (GAAGGACATTG on the coding strand, the reverse complement: CACNA1S is on the minus strand). VCF-style (leftmost placement, unchanged base first): chr1-201047125-ACAATGTCCTTC-A. GRCh37 (hg19) VCF-style: chr1-201016253-ACAATGTCCTTC-A.
Other names: short protein forms K1549fs.
Identifiers: ClinVar variation 4757144 (VCV004757144.1).
Genomic context (GRCh38, chr1:201,047,125, plus strand): 5'-GACCTGGCTCAGTGGGGGAGCCCCTTGGAACATACCTGGATTGGGCTTACCTGGATCTGT[ACAATGTCCTTC>A]TTGGGCCGATAGCCATAATACTCCTCTTGGCGTTTCATGAACTTCCGGAAGTGCTCCTGG-3'

ClinVar aggregate classification (germline): Uncertain significance (1 of 4 stars; one submission).

Conditions:
Malignant hyperthermia, susceptibility to, 5 (MHS5). Also called: CACNA1S-Related Malignant Hyperthermia Susceptibility. Identifiers: Orphanet 423, MedGen C1866077, MONDO:0011163, OMIM 601887.

Submission:

Color Diagnostics, LLC DBA Color Health
Classification: Uncertain significance for Malignant hyperthermia, susceptibility to, 5. Last evaluated: 2025-06-18. Review status: criteria provided, single submitter. Criteria: ACMG Guidelines, 2015. Collection method: clinical testing. Allele origin: germline.
Comment: This variant deletes 11 nucleotides in exon 38 of the CACNA1S gene, creating a frameshift and premature translation stop signal. To our knowledge, this variant has not been reported in individuals affected with CACNA1S-related malignant hyperthermia susceptibility disorders in the literature. This variant has not been identified in the general population by the Genome Aggregation Database (gnomAD). The available evidence is insufficient to determine the role of this variant in disease conclusively. Therefore, this variant is classified as a Variant of Uncertain Significance.